The following is an entry in ClinVar:

NM_001166114.2(PNPLA6):c.413+1G>A

Gene: PNPLA6 (patatin like domain 6, lysophospholipase; plus strand). Cytogenetic location: 19p13.2.
Variant type: single nucleotide variant.
Coding change: c.413+1G>A on transcript NM_001166114.2 (MANE Select); the canonical splice donor site of the intron after coding-DNA position 413, G replaced by A.
Molecular consequence: splice donor variant.
Genome position (GRCh38, 1-based): chr19:7,536,547, G>A. VCF-style: chr19-7536547-G-A. GRCh37 (hg19) VCF-style: chr19-7601433-G-A.
Other names: c.296+1G>A (NM_006702.5, NM_001166112.2, NM_001166113.1); c.440+1G>A (NM_001166111.2).
Identifiers: ClinVar variation 1956913 (VCV001956913.5), dbSNP rs2512488638, ClinGen allele CA403099295.

ClinVar aggregate classification (germline): Likely pathogenic (1 of 4 stars; one submission).

Conditions:
Hereditary spastic paraplegia 39 (SPG39). Also called: Spastic Paraplegia Type 39 (SPG39); SPASTIC PARAPLEGIA 39, AUTOSOMAL RECESSIVE. Identifiers: Orphanet 139480, MedGen C2677586, MONDO:0012787, OMIM 612020.

Submission:

Labcorp Genetics (formerly Invitae), Labcorp
Classification: Likely pathogenic for Hereditary spastic paraplegia 39. Last evaluated: 2022-08-17. Review status: criteria provided, single submitter. Criteria: Invitae Variant Classification Sherloc (09022015). Collection method: clinical testing. Allele origin: germline.
Comment: Algorithms developed to predict the effect of sequence changes on RNA splicing suggest that this variant may disrupt the consensus splice site. In summary, the currently available evidence indicates that the variant is pathogenic, but additional data are needed to prove that conclusively. Therefore, this variant has been classified as Likely Pathogenic. This variant has not been reported in the literature in individuals affected with PNPLA6-related conditions. This variant is not present in population databases (gnomAD no frequency). This sequence change affects a donor splice site in intron 6 of the PNPLA6 gene. It is expected to disrupt RNA splicing. Variants that disrupt the donor or acceptor splice site typically lead to a loss of protein function (PMID: 16199547), and loss-of-function variants in PNPLA6 are known to be pathogenic (PMID: 24355708).

Literature cited by the submitters: PubMed 16199547; PubMed 24355708.